The following is an entry in ClinVar:

ClinVar aggregate classification (germline): Conflicting classifications of pathogenicity. Review status: criteria provided, conflicting classifications (1 of 4 stars). 5 submissions from 5 submitters: Uncertain significance (4); Likely benign (1). Last evaluated 2025-01-28.

Conditions:
C7-related disorder. Also called: C7-related condition.

Allele frequency attached by ClinVar (database versions not stated): ESP Exome Variant Server 0.00049; 1000 Genomes Project 0.00060; ExAC 0.00061; gnomAD exomes 0.00069; 1000 Genomes Project 30x 0.00078; gnomAD 0.00078 and 0.00080; TOPMed 0.00112.
gnomAD v4.1: 798 of 1,613,828 alleles (0.049%); highest among the groups gnomAD compares: Middle Eastern, 0.48%; no homozygotes.

Submissions (5):

PreventionGenetics, part of Exact Sciences
Classification: Likely benign for C7-related condition. Last evaluated: 2025-01-28. Review status: criteria provided, single submitter. Criteria: ACMG Guidelines, 2015. Collection method: clinical testing. Allele origin: germline.
Comment: This variant is classified as likely benign based on ACMG/AMP sequence variant interpretation guidelines (Richards et al. 2015 PMID: 25741868, with internal and published modifications).

Blueprint Genetics
Classification: Uncertain significance. Last evaluated: 2024-11-11. Review status: criteria provided, single submitter. Criteria: ACMG Guidelines, 2015. Collection method: clinical testing. Allele origin: germline.

CeGaT Center for Human Genetics Tuebingen
Classification: Uncertain significance. Last evaluated: 2024-08-01. Review status: criteria provided, single submitter. Criteria: CeGaT Center For Human Genetics Tuebingen Variant Classification Criteria Version 2. Collection method: clinical testing. Allele origin: germline. Affected: yes. Observed: 1 variant allele.
Comment: C7: PM2:Supporting, BP4

Labcorp Genetics (formerly Invitae), Labcorp
Classification: Uncertain significance. Last evaluated: 2022-10-24. Review status: criteria provided, single submitter. Criteria: Invitae Variant Classification Sherloc (09022015). Collection method: clinical testing. Allele origin: germline.
Comment: This sequence change replaces aspartic acid, which is acidic and polar, with asparagine, which is neutral and polar, at codon 638 of the C7 protein (p.Asp638Asn). This variant is present in population databases (rs200375051, gnomAD 0.2%), and has an allele count higher than expected for a pathogenic variant. This variant has not been reported in the literature in individuals affected with C7-related conditions. ClinVar contains an entry for this variant (Variation ID: 1042073). Advanced modeling of protein sequence and biophysical properties (such as structural, functional, and spatial information, amino acid conservation, physicochemical variation, residue mobility, and thermodynamic stability) performed at Invitae indicates that this missense variant is not expected to disrupt C7 protein function. In summary, the available evidence is currently insufficient to determine the role of this variant in disease. Therefore, it has been classified as a Variant of Uncertain Significance.

Breakthrough Genomics
Classification: Uncertain significance. Review status: criteria provided, single submitter. Criteria: ACMG Guidelines, 2015. Collection method: not provided. Allele origin: germline. Inheritance: Unknown mechanism. Affected: yes.

NM_000587.4(C7):c.1912G>A (p.Asp638Asn)

Gene: C7 (complement C7; plus strand). Cytogenetic location: 5p13.1.
Variant type: single nucleotide variant.
Coding change: c.1912G>A on transcript NM_000587.4 (MANE Select); coding-DNA position 1912, G replaced by A.
Protein change: p.Asp638Asn; replaces aspartic acid 638 with asparagine.
Molecular consequence: missense variant.
Genome position (GRCh38, 1-based): chr5:40,972,432, G>A. VCF-style: chr5-40972432-G-A. GRCh37 (hg19) VCF-style: chr5-40972534-G-A.
Other names: c.1912G>A (NM_000587.3); short protein forms D638N.
Identifiers: ClinVar variation 1042073 (VCV001042073.23), dbSNP rs200375051, ClinGen allele CA3250149.